The following is an entry in ClinVar:

ClinVar aggregate classification (germline): Uncertain significance (1 of 4 stars; one submission).

Conditions:
Inborn genetic diseases. Identifiers: MedGen C0950123, MeSH D030342.

Submission:

Ambry Genetics
Classification: Uncertain significance for Inborn genetic diseases. Last evaluated: 2026-08-24. Review status: criteria provided, single submitter. Criteria: Ambry Variant Classification Scheme 2023. Collection method: clinical testing. Allele origin: germline.
Comment: The p.L1059R variant (also known as c.3176T>G), located in coding exon 32 of the FANCA gene, results from a T to G substitution at nucleotide position 3176. The leucine at codon 1059 is replaced by arginine, an amino acid with dissimilar properties. This amino acid position is conserved. In addition, the in silico prediction for this alteration is inconclusive. Based on the available evidence, the clinical significance of this variant remains unclear.

NM_000135.4(FANCA):c.3176T>G (p.Leu1059Arg)

Gene: FANCA (FA complementation group A; minus strand). Cytogenetic location: 16q24.3.
Variant type: single nucleotide variant.
Coding change: c.3176T>G on transcript NM_000135.4 (MANE Select); coding-DNA position 3176, T replaced by G.
Protein change: p.Leu1059Arg; replaces leucine 1059 with arginine.
Molecular consequence: missense variant.
Genome position (GRCh38, 1-based): chr16:89,749,793, A>C on the plus strand (T>G on the coding strand, the complement: FANCA is on the minus strand). VCF-style: chr16-89749793-A-C. GRCh37 (hg19) VCF-style: chr16-89816201-A-C.
Other names: c.3176T>G, p.Leu1059Arg (NM_001286167.3); short protein forms L1059R.
Identifiers: ClinVar variation 5036433 (VCV005036433.1).